The following is an entry in ClinVar:

ClinVar aggregate classification (germline): Pathogenic/Likely pathogenic. Review status: criteria provided, multiple submitters, no conflicts (2 of 4 stars). 6 submissions from 6 submitters: Pathogenic (5); Likely pathogenic (1). Last evaluated 2025-10-21.

Conditions:
Fanconi anemia (FA). Also called: Fanconi's anemia. Identifiers: Orphanet 84, MedGen C0015625, MeSH D005199, MONDO:0019391.
Monogenic short statue.
Fanconi anemia complementation group G. Also called: FANCG-Related Fanconi Anemia; Fanconi anemia group G. Identifiers: Orphanet 84, MedGen C3469527, MONDO:0013565, OMIM 614082.

Allele frequency attached by ClinVar (database versions not stated): gnomAD 0.00001; ESP Exome Variant Server 0.00008.

Submissions (6):

NHS Central & South Genomic Laboratory Hub
Classification: Pathogenic for Monogenic short statue. Last evaluated: 2025-10-21. Review status: criteria provided, single submitter. Criteria: ACMG Guidelines, 2015. Collection method: clinical testing. Allele origin: germline. Affected: yes.

Natera, Inc.
Classification: Pathogenic for Fanconi anemia group G. Last evaluated: 2025-08-01. Review status: criteria provided, single submitter. Criteria: Natera Variant Classification Schema (03/2026). Collection method: clinical testing. Allele origin: germline.
Comment: The c.787C>T variant in FANCG is a nonsense variant predicted to introduce a stop codon at amino acid 263. This variant is expected to result in nonsense mediated decay, truncation, or a dysfunctional protein product. This variant is rare in the general population with a frequency below the threshold expected for the associated phenotype(s). This variant has been observed in one or more individuals affected with the associated recessive disease, as either homozygous or compound heterozygous with a second variant (PMID: 34585473). Given the available evidence, this variant is classified as Pathogenic.

Labcorp Genetics (formerly Invitae), Labcorp
Classification: Pathogenic for Fanconi anemia. Last evaluated: 2024-01-04. Review status: criteria provided, single submitter. Criteria: Invitae Variant Classification Sherloc (09022015). Collection method: clinical testing. Allele origin: germline.
Comment: This sequence change creates a premature translational stop signal (p.Gln263*) in the FANCG gene. It is expected to result in an absent or disrupted protein product. Loss-of-function variants in FANCG are known to be pathogenic (PMID: 12552564). This variant is present in population databases (rs149721361, gnomAD 0.003%). This variant has not been reported in the literature in individuals affected with FANCG-related conditions. ClinVar contains an entry for this variant (Variation ID: 1071538). Algorithms developed to predict the effect of sequence changes on RNA splicing suggest that this variant may disrupt the consensus splice site. For these reasons, this variant has been classified as Pathogenic.

Neuberg Centre For Genomic Medicine, NCGM
Classification: Likely pathogenic for Fanconi anemia complementation group G. Last evaluated: 2023-05-20. Review status: criteria provided, single submitter. Criteria: ACMG Guidelines, 2015. Collection method: clinical testing. Allele origin: germline. Inheritance: Autosomal recessive inheritance. Affected: yes.
Comment: The observed stop gained variant c.787C>T(p.Gln263Ter) in the FANCG gene has not been reported previously as a pathogenic variant nor as a benign variant, to our knowledge. This variant is reported with the allele frequency 0.0004% in the gnomAD Exomes. It is submitted to ClinVar as Pathogenic. However, no details are available for independent assessment. This variant is predicted to cause loss of normal protein function either through protein truncation or nonsense-mediated mRNA decay. Loss of function variants have been previously reported to be disease causing (Park J, et al., 2013). Computational evidence (MutationTaster - Disease causing) predicts damaging effect on protein structure and function for this variant. For these reasons, this variant has been classified as Likely Pathogenic.

Baylor Genetics
Classification: Pathogenic for Fanconi anemia complementation group G. Last evaluated: 2022-03-23. Review status: criteria provided, single submitter. Criteria: ACMG Guidelines, 2015. Collection method: clinical testing. Allele origin: unknown.

Dept. of Cytogenetics, ICMR- National Institute of Immunohaematology
Classification: Pathogenic for Fanconi anemia. Review status: criteria provided, single submitter. Criteria: ACMG Guidelines, 2015. Collection method: clinical testing. Allele origin: germline. Affected: yes. Observed: 9 variant alleles.

Literature cited by the submitters: PubMed 34585473 (cited by Natera, Inc.); PubMed 12552564 (cited by Labcorp Genetics (formerly Invitae), Labcorp).

NM_004629.2(FANCG):c.787C>T (p.Gln263Ter)

Gene: FANCG (FA complementation group G; minus strand). Cytogenetic location: 9p13.3.
Variant type: single nucleotide variant.
Coding change: c.787C>T on transcript NM_004629.2 (MANE Select); coding-DNA position 787, C replaced by T.
Protein change: p.Gln263Ter; replaces glutamine 263 with a stop codon.
Molecular consequence: nonsense.
Genome position (GRCh38, 1-based): chr9:35,076,861, G>A on the plus strand (C>T on the coding strand, the complement: FANCG is on the minus strand). VCF-style: chr9-35076861-G-A. GRCh37 (hg19) VCF-style: chr9-35076858-G-A.
Other names: c.787C>T (NM_004629.1); short protein forms Q263*.
Identifiers: ClinVar variation 1071538 (VCV001071538.14), dbSNP rs149721361, ClinGen allele CA5039939.